The following is an entry in ClinVar:

NM_003640.5(ELP1):c.1748G>A (p.Trp583Ter)

Gene: ELP1 (elongator acetyltransferase complex subunit 1; minus strand). Cytogenetic location: 9q31.3.
Variant type: single nucleotide variant.
Coding change: c.1748G>A on transcript NM_003640.5 (MANE Select); coding-DNA position 1748, G replaced by A.
Protein change: p.Trp583Ter; replaces tryptophan 583 with a stop codon.
Molecular consequence: nonsense.
Genome position (GRCh38, 1-based): chr9:108,903,565, C>T on the plus strand (G>A on the coding strand, the complement: ELP1 is on the minus strand). VCF-style: chr9-108903565-C-T. GRCh37 (hg19) VCF-style: chr9-111665845-C-T.
Other names: c.1406G>A, p.Trp469Ter (NM_001318360.2); c.701G>A, p.Trp234Ter (NM_001330749.2); short protein forms W234*, W469*, W583*.
Identifiers: ClinVar variation 4067342 (VCV004067342.2).

ClinVar aggregate classification (germline): Likely pathogenic (1 of 4 stars; one submission).

Conditions:
Familial dysautonomia. Also called: FD; HSAN III. Identifiers: Orphanet 1764, MedGen C0013364, MONDO:0009131, OMIM 223900. Disease mechanism: loss of function.

Submission:

Natera, Inc.
Classification: Likely pathogenic for Familial dysautonomia. Last evaluated: 2026-01-15. Review status: criteria provided, single submitter. Criteria: Natera Variant Classification Schema (03/2026). Collection method: clinical testing. Allele origin: germline.
Comment: The c.1748G>A variant in ELP1 is a nonsense variant predicted to introduce a stop codon at amino acid 583. This variant is expected to result in nonsense mediated decay, truncation, or a dysfunctional protein product. This variant is rare in the general population with a frequency below the threshold expected for the associated phenotype(s). Given the available evidence, this variant is classified as Likely Pathogenic.